The following is an entry in ClinVar:

NM_000742.4(CHRNA2):c.956C>T (p.Pro319Leu)

Gene: CHRNA2 (cholinergic receptor nicotinic alpha 2 subunit; minus strand). Cytogenetic location: 8p21.2.
Variant type: single nucleotide variant.
Coding change: c.956C>T on transcript NM_000742.4 (MANE Select); coding-DNA position 956, C replaced by T.
Protein change: p.Pro319Leu; replaces proline 319 with leucine.
Molecular consequence: missense variant.
Genome position (GRCh38, 1-based): chr8:27,463,487, G>A on the plus strand (C>T on the coding strand, the complement: CHRNA2 is on the minus strand). VCF-style: chr8-27463487-G-A. GRCh37 (hg19) VCF-style: chr8-27321004-G-A.
Other names: c.911C>T, p.Pro304Leu (NM_001282455.2); c.479C>T, p.Pro160Leu (NM_001347705.2, NM_001347706.2); c.362C>T, p.Pro121Leu (NM_001347707.2, NM_001347708.2); short protein forms P304L, P160L, P121L, P319L.
Identifiers: ClinVar variation 1375203 (VCV001375203.8), dbSNP rs750130500, ClinGen allele CA4689567.

ClinVar aggregate classification (germline): Uncertain significance (1 of 4 stars; one submission).

Conditions:
Familial sleep-related hypermotor epilepsy. Also called: Autosomal Dominant Sleep-Related Hypermotor (Hyperkinetic) Epilepsy. Identifiers: Orphanet 98784, MedGen C3696898, MONDO:0000030.

Allele frequency attached by ClinVar (database versions not stated): ExAC 0.00001; TOPMed 0.00002.
gnomAD v4.1: 2 of 1,614,218 alleles (0.00012%); highest among the groups gnomAD compares: Non-Finnish European, 0.00017%; no homozygotes.

Submission:

Labcorp Genetics (formerly Invitae), Labcorp
Classification: Uncertain significance. Last evaluated: 2024-05-15. Review status: criteria provided, single submitter. Criteria: Invitae Variant Classification Sherloc (09022015). Collection method: clinical testing. Allele origin: germline.
Comment: This sequence change replaces proline, which is neutral and non-polar, with leucine, which is neutral and non-polar, at codon 319 of the CHRNA2 protein (p.Pro319Leu). This variant is present in population databases (rs750130500, gnomAD 0.0009%). This variant has not been reported in the literature in individuals affected with CHRNA2-related conditions. ClinVar contains an entry for this variant (Variation ID: 1375203). Advanced modeling of protein sequence and biophysical properties (such as structural, functional, and spatial information, amino acid conservation, physicochemical variation, residue mobility, and thermodynamic stability) performed at Invitae indicates that this missense variant is expected to disrupt CHRNA2 protein function with a positive predictive value of 80%. In summary, the available evidence is currently insufficient to determine the role of this variant in disease. Therefore, it has been classified as a Variant of Uncertain Significance.